The following is an entry in ClinVar:

ClinVar aggregate classification (germline): Uncertain significance (1 of 4 stars; one submission).

Submission:

Women's Health and Genetics/Laboratory Corporation of America, LabCorp
Classification: Uncertain significance. Last evaluated: 2024-04-05. Review status: criteria provided, single submitter. Criteria: LabCorp Variant Classification Summary - May 2015. Collection method: clinical testing. Allele origin: germline.
Comment: Variant summary: GNPTAB c.1220A>G (p.Asp407Gly) results in a non-conservative amino acid change located in the Stealth protein CR2, conserved region 2 domain (IPR021520) of the encoded protein sequence. Five of five in-silico tools predict a damaging effect of the variant on protein function. The variant was absent in 251388 control chromosomes. The available data on variant occurrences in the general population are insufficient to allow any conclusion about variant significance. To our knowledge, no occurrence of c.1220A>G in individuals affected with Mucolipidosis and no experimental evidence demonstrating its impact on protein function have been reported. No submitters have cited clinical-significance assessments for this variant to ClinVar. Based on the evidence outlined above, the variant was classified as uncertain significance.

NM_024312.5(GNPTAB):c.1220A>G (p.Asp407Gly)

Gene: GNPTAB (N-acetylglucosamine-1-phosphate transferase subunits alpha and beta; minus strand). Cytogenetic location: 12q23.2.
Variant type: single nucleotide variant.
Coding change: c.1220A>G on transcript NM_024312.5 (MANE Select); coding-DNA position 1220, A replaced by G.
Protein change: p.Asp407Gly; replaces aspartic acid 407 with glycine.
Molecular consequence: missense variant.
Genome position (GRCh38, 1-based): chr12:101,770,085, T>C on the plus strand (A>G on the coding strand, the complement: GNPTAB is on the minus strand). VCF-style: chr12-101770085-T-C. GRCh37 (hg19) VCF-style: chr12-102163863-T-C.
Other names: short protein forms D407G.
Identifiers: ClinVar variation 3251491 (VCV003251491.1), dbSNP rs137852895.
Genomic context (GRCh38, chr12:101,770,085, plus strand): 5'-TGGCCTTTGGAGTGACTGTAAAAATCATCTGGCCAGACATCCTTCCCAAACATGACATCA[T>C]CATTTAGGTAAATAAACTTCTGGGACAGCCCTTCGATGCGATGAATGTGACTTTCAATAG-3'
Protein context (NP_077288.2, residues 397-417): GLSQKFIYLN[Asp407Gly]DVMFGKDVWP